The following is an entry in ClinVar:

NM_020461.4(TUBGCP6):c.4064C>T (p.Pro1355Leu)

Gene: TUBGCP6 (tubulin gamma complex component 6; minus strand). Cytogenetic location: 22q13.33.
Variant type: single nucleotide variant.
Coding change: c.4064C>T on transcript NM_020461.4 (MANE Select); coding-DNA position 4064, C replaced by T.
Protein change: p.Pro1355Leu; replaces proline 1355 with leucine.
Molecular consequence: missense variant.
Genome position (GRCh38, 1-based): chr22:50,220,295, G>A on the plus strand (C>T on the coding strand, the complement: TUBGCP6 is on the minus strand). VCF-style: chr22-50220295-G-A. GRCh37 (hg19) VCF-style: chr22-50658724-G-A.
Other names: short protein forms P1355L.
Identifiers: ClinVar variation 1946021 (VCV001946021.2), dbSNP rs1349452442, ClinGen allele CA412177253.
Genomic context (GRCh38, chr22:50,220,295, plus strand): 5'-GCCACCCTACTCTGACCTAGTTCTTCAGAGACACTGTCTCCCGGGGTGTTGGGCCACCAT[G>A]GTTGGGTGGGAGCCACGTCTGACACGTTCTCCCCCACGCTGATGCTCCCCTCCCCGCAGC-3'
Protein context (NP_065194.3, residues 1345-1365): ENVSDVAPTQ[Pro1355Leu]WWPNTPGDSV

ClinVar aggregate classification (germline): Uncertain significance (1 of 4 stars; one submission).

Allele frequency attached by ClinVar (database versions not stated): gnomAD exomes below 0.00001; TOPMed below 0.00001; gnomAD 0.00002.
gnomAD v4.1: 8 of 1,575,856 alleles (0.00051%); highest among the groups gnomAD compares: Non-Finnish European, 0.00069%; no homozygotes.

Submission:

Labcorp Genetics (formerly Invitae), Labcorp
Classification: Uncertain significance. Last evaluated: 2022-09-13. Review status: criteria provided, single submitter. Criteria: Invitae Variant Classification Sherloc (09022015). Collection method: clinical testing. Allele origin: germline.
Comment: This sequence change replaces proline, which is neutral and non-polar, with leucine, which is neutral and non-polar, at codon 1355 of the TUBGCP6 protein (p.Pro1355Leu). This variant is present in population databases (no rsID available, gnomAD 0.01%). This variant has not been reported in the literature in individuals affected with TUBGCP6-related conditions. Algorithms developed to predict the effect of missense changes on protein structure and function output the following: SIFT: "Deleterious"; PolyPhen-2: "Benign"; Align-GVGD: "Class C0". The leucine amino acid residue is found in multiple mammalian species, which suggests that this missense change does not adversely affect protein function. In summary, the available evidence is currently insufficient to determine the role of this variant in disease. Therefore, it has been classified as a Variant of Uncertain Significance.